The following is an entry in ClinVar:

NM_012144.4(DNAI1):c.2001+1G>A

Gene: DNAI1 (dynein axonemal intermediate chain 1; plus strand). Cytogenetic location: 9p13.3.
Variant type: single nucleotide variant.
Coding change: c.2001+1G>A on transcript NM_012144.4 (MANE Select); the canonical splice donor site of the intron after coding-DNA position 2001, G replaced by A.
Molecular consequence: splice donor variant.
Genome position (GRCh38, 1-based): chr9:34,517,468, G>A. VCF-style: chr9-34517468-G-A. GRCh37 (hg19) VCF-style: chr9-34517466-G-A.
Other names: IVS19+1G>A; c.2013+1G>A (NM_001281428.2).
Identifiers: ClinVar variation 65704 (VCV000065704.12), dbSNP rs397515563, ClinGen allele CA345043.

ClinVar aggregate classification (germline): Pathogenic/Likely pathogenic. Review status: criteria provided, multiple submitters, no conflicts (2 of 4 stars). 3 submissions from 3 submitters: Pathogenic (1); Likely pathogenic (1). 1 of the submissions does not count toward it. Last evaluated 2025-06-03.

Conditions:
Primary ciliary dyskinesia. Also called: Ciliary dyskinesia. Identifiers: Orphanet 244, MedGen C0008780, MONDO:0016575, HP:0012265.
Kartagener syndrome (CILD1). Also called: CILIARY DYSKINESIA, PRIMARY, 1, WITH OR WITHOUT SITUS INVERSUS; Dextrocardia bronchiectasis and sinusitis; CILIARY DYSKINESIA, PRIMARY, 1; IMMOTILE CILIA SYNDROME; POLYNESIAN BRONCHIECTASIS; SIEWERT SYNDROME. Identifiers: Orphanet 244, MedGen C4551906, MONDO:0009484, OMIM 244400.

Allele frequency attached by ClinVar (database versions not stated): gnomAD exomes below 0.00001.
gnomAD v4.1: 1 of 1,614,192 alleles (0.000062%); highest among the groups gnomAD compares: Non-Finnish European, 0.000085%; no homozygotes.

Submissions (3):

Labcorp Genetics (formerly Invitae), Labcorp
Classification: Likely pathogenic for Primary ciliary dyskinesia. Last evaluated: 2025-06-03. Review status: criteria provided, single submitter. Criteria: Invitae Variant Classification Sherloc (09022015). Collection method: clinical testing. Allele origin: germline.
Comment: This sequence change affects a donor splice site in intron 19 of the DNAI1 gene. While this variant is not anticipated to result in nonsense mediated decay, it likely alters RNA splicing and results in a disrupted protein product. This variant is present in population databases (rs397515563, gnomAD 0.0009%). Disruption of this splice site has been observed in individual(s) with primary ciliary dyskinesia (PMID: 16858015). In at least one individual the data is consistent with being in trans (on the opposite chromosome) from a pathogenic variant. This variant is also known as IVS19+1G>A. ClinVar contains an entry for this variant (Variation ID: 65704). Variants that disrupt the consensus splice site are a relatively common cause of aberrant splicing (PMID: 17576681, 9536098). Algorithms developed to predict the effect of sequence changes on RNA splicing suggest that this variant may disrupt the consensus splice site. In summary, the currently available evidence indicates that the variant is pathogenic, but additional data are needed to prove that conclusively. Therefore, this variant has been classified as Likely Pathogenic.

Eurofins Ntd Llc (ga)
Classification: Pathogenic. Last evaluated: 2016-12-28. Review status: criteria provided, single submitter. Criteria: EGL Classification Definitions 2015. Collection method: clinical testing. Allele origin: germline. Observed: 2 variant alleles, 2 heterozygotes.

GeneReviews
No classification provided. Condition: Kartagener syndrome. Review status: no classification provided. Collection method: literature only. Allele origin: germline. Affected: yes. Not counted in ClinVar's aggregate classification.

Literature cited by the submitters: PubMed 16858015 (cited by Labcorp Genetics (formerly Invitae), Labcorp and GeneReviews); PubMed 17576681 (cited by Labcorp Genetics (formerly Invitae), Labcorp); PubMed 9536098 (cited by Labcorp Genetics (formerly Invitae), Labcorp); NCBI Bookshelf NBK1122 (cited by GeneReviews).